The following is an entry in ClinVar:

NM_018979.4(WNK1):c.4399C>T (p.Pro1467Ser)

Gene: WNK1 (WNK lysine deficient protein kinase 1; plus strand). Cytogenetic location: 12p13.33.
Variant type: single nucleotide variant.
Coding change: c.4399C>T on transcript NM_018979.4 (MANE Select); coding-DNA position 4399, C replaced by T.
Protein change: p.Pro1467Ser; replaces proline 1467 with serine.
Molecular consequence: missense variant.
Genome position (GRCh38, 1-based): chr12:885,203, C>T. VCF-style: chr12-885203-C-T. GRCh37 (hg19) VCF-style: chr12-994369-C-T.
Other names: c.5179C>T, p.Pro1727Ser (NM_001184985.2); c.3658C>T, p.Pro1220Ser (NM_014823.3); c.5155C>T, p.Pro1719Ser (NM_213655.5); short protein forms P1220S, P1467S, P1719S, P1727S.
Identifiers: ClinVar variation 1004604 (VCV001004604.8), dbSNP rs1387569449, ClinGen allele CA383331147.

ClinVar aggregate classification (germline): Uncertain significance (1 of 4 stars; one submission).

Conditions:
Pseudohypoaldosteronism type 2C (PHA2C). Also called: Pseudohypoaldosteronism Type IIC. Identifiers: Orphanet 757, Orphanet 88940, MedGen C1840391, MONDO:0013778, OMIM 614492.
Neuropathy, hereditary sensory and autonomic, type 2A (HSAN2A). Also called: ACROOSTEOLYSIS, GIACCAI TYPE; ACROOSTEOLYSIS, NEUROGENIC; MORVAN DISEASE; NEUROPATHY, CONGENITAL SENSORY; NEUROPATHY, HEREDITARY SENSORY RADICULAR, AUTOSOMAL RECESSIVE; NEUROPATHY, HEREDITARY SENSORY, TYPE IIA. Identifiers: Orphanet 970, MedGen C2752089, MONDO:0024309, OMIM 201300.

Allele frequency attached by ClinVar (database versions not stated): gnomAD exomes below 0.00001.
gnomAD v4.1: 5 of 1,614,172 alleles (0.00031%); highest among the groups gnomAD compares: Non-Finnish European, 0.00042%; no homozygotes.

Submission:

Labcorp Genetics (formerly Invitae), Labcorp
Classification: Uncertain significance for Neuropathy, hereditary sensory and autonomic, type 2A; Pseudohypoaldosteronism type 2C. Last evaluated: 2024-05-06. Review status: criteria provided, single submitter. Criteria: Invitae Variant Classification Sherloc (09022015). Collection method: clinical testing. Allele origin: germline.
Comment: This sequence change replaces proline, which is neutral and non-polar, with serine, which is neutral and polar, at codon 1719 of the WNK1 protein (p.Pro1719Ser). This variant is present in population databases (no rsID available, gnomAD 0.0009%). This variant has not been reported in the literature in individuals affected with WNK1-related conditions. ClinVar contains an entry for this variant (Variation ID: 1004604). Advanced modeling of protein sequence and biophysical properties (such as structural, functional, and spatial information, amino acid conservation, physicochemical variation, residue mobility, and thermodynamic stability) performed at Invitae indicates that this missense variant is not expected to disrupt WNK1 protein function with a negative predictive value of 95%. In summary, the available evidence is currently insufficient to determine the role of this variant in disease. Therefore, it has been classified as a Variant of Uncertain Significance.